The following is an entry in ClinVar:

NM_001211.6(BUB1B):c.1280A>T (p.Gln427Leu)

Gene: BUB1B (BUB1 mitotic checkpoint serine/threonine kinase B; plus strand). Cytogenetic location: 15q15.1.
Variant type: single nucleotide variant.
Coding change: c.1280A>T on transcript NM_001211.6 (MANE Select); coding-DNA position 1280, A replaced by T.
Protein change: p.Gln427Leu; replaces glutamine 427 with leucine.
Molecular consequence: missense variant.
Genome position (GRCh38, 1-based): chr15:40,196,766, A>T. VCF-style: chr15-40196766-A-T. GRCh37 (hg19) VCF-style: chr15-40488967-A-T.
Other names: short protein forms Q427L.
Identifiers: ClinVar variation 3221341 (VCV003221341.1), dbSNP rs2037503673, ClinGen allele CA391687818.

ClinVar aggregate classification (germline): Uncertain significance (1 of 4 stars; one submission).

Conditions:
Inborn genetic diseases. Identifiers: MedGen C0950123, MeSH D030342.

Allele frequency attached by ClinVar (database versions not stated): gnomAD exomes below 0.00001.
gnomAD v4.1: 3 of 1,613,842 alleles (0.00019%); highest among the groups gnomAD compares: Middle Eastern, 0.017%; no homozygotes.

Submission:

Ambry Genetics
Classification: Uncertain significance for Inborn genetic diseases. Last evaluated: 2023-12-31. Review status: criteria provided, single submitter. Criteria: Ambry Variant Classification Scheme 2023. Collection method: clinical testing. Allele origin: germline.
Comment: The p.Q427L variant (also known as c.1280A>T), located in coding exon 9 of the BUB1B gene, results from an A to T substitution at nucleotide position 1280. The glutamine at codon 427 is replaced by leucine, an amino acid with dissimilar properties. This amino acid position is conserved. In addition, this alteration is predicted to be tolerated by in silico analysis. Since supporting evidence is limited at this time, the clinical significance of this alteration remains unclear.